The following is an entry in ClinVar:

NM_005732.4(RAD50):c.493C>T (p.Pro165Ser)

Gene: RAD50 (RAD50 double strand break repair protein; plus strand). Cytogenetic location: 5q31.1.
Variant type: single nucleotide variant.
Coding change: c.493C>T on transcript NM_005732.4 (MANE Select); coding-DNA position 493, C replaced by T.
Protein change: p.Pro165Ser; replaces proline 165 with serine.
Molecular consequence: missense variant.
Genome position (GRCh38, 1-based): chr5:132,579,444, C>T. VCF-style: chr5-132579444-C-T. GRCh37 (hg19) VCF-style: chr5-131915136-C-T.
Other names: c.493C>T (NM_005732.3); short protein forms P165S.
Identifiers: ClinVar variation 2757242 (VCV002757242.4), dbSNP rs1400742267, ClinGen allele CA360934617.
Genomic context (GRCh38, chr5:132,579,444, plus strand): 5'-GGGGTTTCCAAGGCTGTGCTAAATAATGTCATTTTCTGTCATCAAGAAGATTCTAATTGG[C>T]CTTTAAGTGAAGGAAAGGCTTTGAAGCAAAAGTTTGATGAGATTTTTTCAGCAACAAGGT-3'
Protein context (NP_005723.2, residues 155-175): IFCHQEDSNW[Pro165Ser]LSEGKALKQK

ClinVar aggregate classification (germline): Uncertain significance. Review status: criteria provided, multiple submitters, no conflicts (2 of 4 stars). 2 submissions from 2 submitters: Uncertain significance (2). Last evaluated 2024-08-28.

Conditions:
Hereditary cancer-predisposing syndrome. Also called: Neoplastic Syndromes, Hereditary; Hereditary Cancer Syndrome; Hereditary neoplastic syndrome; Tumor predisposition. Identifiers: Orphanet 140162, MedGen C0027672, MeSH D009386, MONDO:0015356.

Allele frequency attached by ClinVar (database versions not stated): TOPMed below 0.00001.

Submissions (2):

Ambry Genetics
Classification: Uncertain significance for Hereditary cancer-predisposing syndrome. Last evaluated: 2024-08-28. Review status: criteria provided, single submitter. Criteria: Ambry Variant Classification Scheme 2023. Collection method: clinical testing. Allele origin: germline.
Comment: The p.P165S variant (also known as c.493C>T), located in coding exon 4 of the RAD50 gene, results from a C to T substitution at nucleotide position 493. The proline at codon 165 is replaced by serine, an amino acid with similar properties. This amino acid position is conserved. In addition, this alteration is predicted to be deleterious by in silico analysis. Based on the available evidence, the clinical significance of this variant remains unclear.

Labcorp Genetics (formerly Invitae), Labcorp
Classification: Uncertain significance for Hereditary cancer-predisposing syndrome. Last evaluated: 2023-09-01. Review status: criteria provided, single submitter. Criteria: Invitae Variant Classification Sherloc (09022015). Collection method: clinical testing. Allele origin: germline.
Comment: In summary, the available evidence is currently insufficient to determine the role of this variant in disease. Therefore, it has been classified as a Variant of Uncertain Significance. Advanced modeling of protein sequence and biophysical properties (such as structural, functional, and spatial information, amino acid conservation, physicochemical variation, residue mobility, and thermodynamic stability) performed at Invitae indicates that this missense variant is expected to disrupt RAD50 protein function. This variant has not been reported in the literature in individuals affected with RAD50-related conditions. This variant is not present in population databases (gnomAD no frequency). This sequence change replaces proline, which is neutral and non-polar, with serine, which is neutral and polar, at codon 165 of the RAD50 protein (p.Pro165Ser).